The following is an entry in ClinVar:

NM_000038.6(APC):c.6496C>G (p.Arg2166Gly)

Gene: APC (APC regulator of Wnt signaling pathway; plus strand). Cytogenetic location: 5q22.2.
Variant type: single nucleotide variant.
Coding change: c.6496C>G on transcript NM_000038.6 (MANE Select); coding-DNA position 6496, C replaced by G.
Protein change: p.Arg2166Gly; replaces arginine 2166 with glycine.
Molecular consequence: missense variant.
Genome position (GRCh38, 1-based): chr5:112,842,090, C>G. VCF-style: chr5-112842090-C-G. GRCh37 (hg19) VCF-style: chr5-112177787-C-G.
Other names: c.6496C>G, p.Arg2166Gly (NM_001127510.3, NM_001354895.2); c.6442C>G, p.Arg2148Gly (NM_001127511.3); c.6550C>G, p.Arg2184Gly (NM_001354896.2); c.6526C>G, p.Arg2176Gly (NM_001354897.2); c.6421C>G, p.Arg2141Gly (NM_001354898.2); c.6412C>G, p.Arg2138Gly (NM_001354899.2); c.6373C>G, p.Arg2125Gly (NM_001354900.2); c.6319C>G, p.Arg2107Gly (NM_001354901.2); and 5 more; short protein forms R2148G, R2166G, R2065G, R2141G, R1883G, R2040G, R2075G, R2176G.
Identifiers: ClinVar variation 581862 (VCV000581862.14), dbSNP rs764527706, ClinGen allele CA16035546.

ClinVar aggregate classification (germline): Uncertain significance. Review status: criteria provided, multiple submitters, no conflicts (2 of 4 stars). 4 submissions from 4 submitters: Uncertain significance (4). Last evaluated 2024-09-23.

Conditions:
Hereditary cancer-predisposing syndrome. Also called: Neoplastic Syndromes, Hereditary; Hereditary Cancer Syndrome; Tumor predisposition; Hereditary neoplastic syndrome. Identifiers: Orphanet 140162, MedGen C0027672, MeSH D009386, MONDO:0015356.
Familial adenomatous polyposis 1 (FAP1). Also called: FAMILIAL ADENOMATOUS POLYPOSIS 1, ATTENUATED; POLYPOSIS, ADENOMATOUS INTESTINAL. Identifiers: MedGen C2713442, MONDO:0021056, OMIM 175100. Disease mechanism: loss of function.
Classic or attenuated familial adenomatous polyposis. Identifiers: MedGen CN372698, MONDO:0021057.

Submissions (4):

All of Us Research Program, National Institutes of Health
Classification: Uncertain significance for Classic or attenuated familial adenomatous polyposis. Last evaluated: 2024-09-23. Review status: criteria provided, single submitter. Criteria: ACMG Guidelines, 2015. Collection method: clinical testing. Allele origin: germline. Inheritance: Autosomal dominant inheritance. Observed: 1 variant allele, 1 heterozygote.
Comment: This missense variant replaces arginine with glycine at codon 2166 of the APC protein. Computational prediction is inconclusive regarding the impact of this variant on protein structure and function (internally defined REVEL score threshold 0.5 < inconclusive < 0.7, PMID: 27666373). To our knowledge, functional studies have not been reported for this variant. This variant has not been reported in individuals affected with hereditary cancer in the literature. This variant has not been identified in the general population by the Genome Aggregation Database (gnomAD). The available evidence is insufficient to determine the role of this variant in disease conclusively. Therefore, this variant is classified as a Variant of Uncertain Significance.

This study involves interpretation of variants in research participants for the purpose of population health screening. Participant phenotype was not available at the time of variant classification. Additional details can be found in publication PMID: 35346344, PMCID: PMC8962531

Labcorp Genetics (formerly Invitae), Labcorp
Classification: Uncertain significance for Familial adenomatous polyposis 1. Last evaluated: 2024-02-07. Review status: criteria provided, single submitter. Criteria: Invitae Variant Classification Sherloc (09022015). Collection method: clinical testing. Allele origin: germline.
Comment: This sequence change replaces arginine, which is basic and polar, with glycine, which is neutral and non-polar, at codon 2166 of the APC protein (p.Arg2166Gly). This variant is not present in population databases (gnomAD no frequency). This variant has not been reported in the literature in individuals affected with APC-related conditions. ClinVar contains an entry for this variant (Variation ID: 581862). Advanced modeling of protein sequence and biophysical properties (such as structural, functional, and spatial information, amino acid conservation, physicochemical variation, residue mobility, and thermodynamic stability) performed at Invitae indicates that this missense variant is not expected to disrupt APC protein function with a negative predictive value of 95%. In summary, the available evidence is currently insufficient to determine the role of this variant in disease. Therefore, it has been classified as a Variant of Uncertain Significance.

Ambry Genetics
Classification: Uncertain significance for Hereditary cancer-predisposing syndrome. Last evaluated: 2023-05-19. Review status: criteria provided, single submitter. Criteria: Ambry Variant Classification Scheme 2023. Collection method: clinical testing. Allele origin: germline.
Comment: The p.R2166G variant (also known as c.6496C>G), located in coding exon 15 of the APC gene, results from a C to G substitution at nucleotide position 6496. The arginine at codon 2166 is replaced by glycine, an amino acid with dissimilar properties. This amino acid position is highly conserved in available vertebrate species. In addition, in silico predictors for this gene do not accurately predict pathogenicity. Since supporting evidence is limited at this time, the clinical significance of this alteration remains unclear.

Color Diagnostics, LLC DBA Color Health
Classification: Uncertain significance for Hereditary cancer-predisposing syndrome. Last evaluated: 2021-12-14. Review status: criteria provided, single submitter. Criteria: ACMG Guidelines, 2015. Collection method: clinical testing. Allele origin: germline.
Comment: This missense variant replaces arginine with glycine at codon 2166 of the APC protein. Computational prediction is inconclusive regarding the impact of this variant on protein structure and function (internally defined REVEL score threshold 0.5 < inconclusive < 0.7, PMID: 27666373). To our knowledge, functional studies have not been reported for this variant. This variant has not been reported in individuals affected with hereditary cancer in the literature. This variant has not been identified in the general population by the Genome Aggregation Database (gnomAD). The available evidence is insufficient to determine the role of this variant in disease conclusively. Therefore, this variant is classified as a Variant of Uncertain Significance.